The following is an entry in ClinVar:

NM_000301.5(PLG):c.1735G>A (p.Gly579Arg)

Gene: PLG (plasminogen; plus strand). Cytogenetic location: 6q26.
Variant type: single nucleotide variant.
Coding change: c.1735G>A on transcript NM_000301.5 (MANE Select); coding-DNA position 1735, G replaced by A.
Protein change: p.Gly579Arg; replaces glycine 579 with arginine.
Molecular consequence: missense variant.
Genome position (GRCh38, 1-based): chr6:160,736,940, G>A. VCF-style: chr6-160736940-G-A. GRCh37 (hg19) VCF-style: chr6-161157972-G-A.
Other names: short protein forms G579R.
Identifiers: ClinVar variation 988227 (VCV000988227.8), dbSNP rs138728014, ClinGen allele CA4087871.

ClinVar aggregate classification (germline): Uncertain significance. Review status: criteria provided, multiple submitters, no conflicts (2 of 4 stars). 5 submissions from 5 submitters: Uncertain significance (4). 1 of the submissions does not count toward it. Last evaluated 2026-02-01.

Conditions:
Inborn genetic diseases. Identifiers: MedGen C0950123, MeSH D030342.
Angioedema, hereditary, 4. Identifiers: MedGen C5543503, MONDO:0025712, OMIM 619360.
Plasminogen deficiency, type I. Also called: Type 1 plasminogen deficiency; Hypoplasminogenemia. Identifiers: Orphanet 722, MedGen C1968804, MONDO:0009009, OMIM 217090.
Atypical hemolytic-uremic syndrome. Identifiers: Orphanet 2134, MedGen C2931788, MONDO:0016244.

Allele frequency attached by ClinVar (database versions not stated): gnomAD exomes 0.00022 and 0.00053; gnomAD 0.00025 and 0.00027; ExAC 0.00026; TOPMed 0.00029; ESP Exome Variant Server 0.00062.
gnomAD v4.1: 796 of 1,613,886 alleles (0.049%); highest among the groups gnomAD compares: Non-Finnish European, 0.065%; no homozygotes.

Submissions (5):

Labcorp Genetics (formerly Invitae), Labcorp
Classification: Uncertain significance. Last evaluated: 2026-02-01. Review status: criteria provided, single submitter. Criteria: Invitae Variant Classification Sherloc (09022015). Collection method: clinical testing. Allele origin: germline.
Comment: This sequence change replaces glycine, which is neutral and non-polar, with arginine, which is basic and polar, at codon 579 of the PLG protein (p.Gly579Arg). This variant is present in population databases (rs138728014, gnomAD 0.04%). This variant has not been reported in the literature in individuals affected with PLG-related conditions. ClinVar contains an entry for this variant (Variation ID: 988227). Invitae Evidence Modeling of protein sequence and biophysical properties (such as structural, functional, and spatial information, amino acid conservation, physicochemical variation, residue mobility, and thermodynamic stability) indicates that this missense variant is not expected to disrupt PLG protein function with a negative predictive value of 80%. In summary, the available evidence is currently insufficient to determine the role of this variant in disease. Therefore, it has been classified as a Variant of Uncertain Significance.

Ambry Genetics
Classification: Uncertain significance for Inborn genetic diseases. Last evaluated: 2022-10-25. Review status: criteria provided, single submitter. Criteria: Ambry Variant Classification Scheme 2023. Collection method: clinical testing. Allele origin: germline.

Fulgent Genetics
Classification: Uncertain significance for Plasminogen deficiency, type I; Angioedema, hereditary, 4. Last evaluated: 2022-03-02. Review status: criteria provided, single submitter. Criteria: ACMG Guidelines, 2015. Collection method: clinical testing. Allele origin: unknown.

Breakthrough Genomics
Classification: Uncertain significance. Review status: criteria provided, single submitter. Criteria: ACMG Guidelines, 2015. Collection method: not provided. Allele origin: germline. Inheritance: Autosomal recessive inheritance. Affected: yes.

Sydney Genome Diagnostics, Children's Hospital Westmead
Classification: Uncertain significance for Atypical hemolytic-uremic syndrome. Last evaluated: 2018-08-27. Review status: no assertion criteria provided. Collection method: clinical testing. Allele origin: unknown. Affected: yes. Observed: 1 variant allele, 1 heterozygote. Not counted in ClinVar's aggregate classification.
Comment: To our knowledge, this variant has not been previously reported in the literature to be associated with disease. This variant has been reported in the ExAC database with a low allele frequency of 0.026% (31/121370 alleles). In silico analysis (using Alamut Visual 2.8.1) using PolyPhen2, SIFT and Mutation Taster suggest that this variant is likely to be pathogenic. PLG variants have been reported in patients with aHUS and C3GN (Bu et al 2015 J Am Soc Nephrol 27:1245-53) with an autosomal dominant inheritance as well as in plasminogen deficiency and dysplasminogenemia (OMIM 173350) with an autosomal recessive inheritance.